The following is an entry in ClinVar:

NM_001384732.1(CPLANE1):c.7058del (p.Pro2353fs)

Gene: CPLANE1 (ciliogenesis and planar polarity effector complex subunit 1; minus strand). Cytogenetic location: 5p13.2.
Variant type: Deletion.
Coding change: c.7058del on transcript NM_001384732.1 (MANE Select); coding-DNA position 7058, one base deleted (C; older notation c.7058delC).
Protein change: p.Pro2353fs; shifts the reading frame from proline 2353.
Molecular consequence: frameshift variant.
Genome position (GRCh38, 1-based): chr5:37,168,966, G deleted on the plus strand (C on the coding strand, the reverse complement: CPLANE1 is on the minus strand); the first of 2 consecutive G bases (chr5:37,168,966-37,168,967); deleting either gives the same sequence. VCF-style (leftmost placement, unchanged base first): chr5-37168965-AG-A. GRCh37 (hg19) VCF-style: chr5-37169067-AG-A.
Other names: c.7058del, p.Pro2353fs (NM_023073.4); short protein forms P2353fs.
Identifiers: ClinVar variation 4734450 (VCV004734450.1).

ClinVar aggregate classification (germline): Pathogenic (1 of 4 stars; one submission).

Submission:

Labcorp Genetics (formerly Invitae), Labcorp
Classification: Pathogenic. Last evaluated: 2025-12-30. Review status: criteria provided, single submitter. Criteria: Invitae Variant Classification Sherloc (09022015). Collection method: clinical testing. Allele origin: germline.
Comment: This sequence change creates a premature translational stop signal (p.Pro2353Leufs*38) in the CPLANE1 gene. It is expected to result in an absent or disrupted protein product. Loss-of-function variants in CPLANE1 are known to be pathogenic (PMID: 24178751, 26092869). This variant is not present in population databases (gnomAD no frequency). This variant has not been reported in the literature in individuals affected with CPLANE1-related conditions. For these reasons, this variant has been classified as Pathogenic.

Literature cited by the submitters: PubMed 24178751; PubMed 26092869.